The following is an entry in ClinVar:

NM_000304.4(PMP22):c.43GTGCTG[3] (p.Leu18_Leu19insValLeu)

Gene: PMP22 (peripheral myelin protein 22; minus strand). Cytogenetic location: 17p12.
Variant type: Microsatellite.
Coding change: c.43GTGCTG[3] on transcript NM_000304.4 (MANE Select); three copies in a row of the 6-base unit GTGCTG starting at c.43; the reference has two copies in a row; one copy, 6 bases duplicated.
Protein change: p.Leu18_Leu19insValLeu.
Molecular consequence: inframe insertion.
Genome position (GRCh38, 1-based): chr17:15,260,674-15,260,679, CAGCAC duplicated on the plus strand (GTGCTG on the coding strand, the reverse complement: PMP22 is on the minus strand); duplicating any 6 consecutive bases within chr17:15,260,674-15,260,686 gives the same sequence; the position shown is the placement nearest the transcript's 3' end. VCF-style (leftmost placement, unchanged base first): chr17-15260673-G-GCAGCAC. GRCh37 (hg19) VCF-style: chr17-15163990-G-GCAGCAC.
Other names: c.43GTGCTG[3], p.Leu18_Leu19insValLeu (NM_001281455.2, NM_001281456.2, NM_001330143.2 and 2 more transcripts).
Identifiers: ClinVar variation 2033846 (VCV002033846.4), dbSNP rs2508227063, ClinGen allele CA2580614013.

ClinVar aggregate classification (germline): Likely pathogenic (1 of 4 stars; one submission).

Conditions:
Charcot-Marie-Tooth disease, type I (CMT1). Also called: Charcot-Marie-Tooth, Type 1; Charcot-Marie-Tooth disease type 1. Identifiers: Orphanet 65753, MedGen C0751036, MONDO:0019011.

Submission:

Labcorp Genetics (formerly Invitae), Labcorp
Classification: Likely pathogenic for Charcot-Marie-Tooth disease, type I. Last evaluated: 2023-06-07. Review status: criteria provided, single submitter. Criteria: Invitae Variant Classification Sherloc (09022015). Collection method: clinical testing. Allele origin: germline.
Comment: In summary, the currently available evidence indicates that the variant is pathogenic, but additional data are needed to prove that conclusively. Therefore, this variant has been classified as Likely Pathogenic. This variant has been observed in individual(s) with Charcot-Marie-Tooth disease (Invitae). In at least one individual the variant was observed to be de novo. This variant is not present in population databases (gnomAD no frequency). This variant, c.49_54dup, results in the insertion of 2 amino acid(s) of the PMP22 protein (p.Val17_Leu18dup), but otherwise preserves the integrity of the reading frame.